The following is an entry in ClinVar:

NM_014017.4(LAMTOR2):c.167A>G (p.Tyr56Cys)

Genes: LAMTOR2 (late endosomal/lysosomal adaptor, MAPK and MTOR activator 2; plus strand), LOC129931594 (ATAC-STARR-seq lymphoblastoid active region 1836; plus strand). Cytogenetic location: 1q22.
Variant type: single nucleotide variant.
Coding change: c.167A>G on transcript NM_014017.4 (MANE Select); coding-DNA position 167, A replaced by G.
Protein change: p.Tyr56Cys; replaces tyrosine 56 with cysteine.
Molecular consequence: missense variant.
Genome position (GRCh38, 1-based): chr1:156,055,361, A>G. VCF-style: chr1-156055361-A-G. GRCh37 (hg19) VCF-style: chr1-156025152-A-G.
Other names: c.167A>G, p.Tyr56Cys (NM_001145264.2); short protein forms Y56C.
Identifiers: ClinVar variation 3643803 (VCV003643803.2).

ClinVar aggregate classification (germline): Uncertain significance (1 of 4 stars; one submission).

Submission:

Labcorp Genetics (formerly Invitae), Labcorp
Classification: Uncertain significance. Last evaluated: 2024-03-01. Review status: criteria provided, single submitter. Criteria: Invitae Variant Classification Sherloc (09022015). Collection method: clinical testing. Allele origin: germline.
Comment: This sequence change replaces tyrosine, which is neutral and polar, with cysteine, which is neutral and slightly polar, at codon 56 of the LAMTOR2 protein (p.Tyr56Cys). This variant is not present in population databases (gnomAD no frequency). This variant has not been reported in the literature in individuals affected with LAMTOR2-related conditions. An algorithm developed to predict the effect of missense changes on protein structure and function (PolyPhen-2) suggests that this variant is likely to be disruptive. In summary, the available evidence is currently insufficient to determine the role of this variant in disease. Therefore, it has been classified as a Variant of Uncertain Significance.